The following is an entry in ClinVar:

NM_005921.2(MAP3K1):c.499A>G (p.Lys167Glu)

Gene: MAP3K1 (mitogen-activated protein kinase kinase kinase 1; plus strand). Cytogenetic location: 5q11.2.
Variant type: single nucleotide variant.
Coding change: c.499A>G on transcript NM_005921.2 (MANE Select); coding-DNA position 499, A replaced by G.
Protein change: p.Lys167Glu; replaces lysine 167 with glutamic acid.
Molecular consequence: missense variant.
Genome position (GRCh38, 1-based): chr5:56,856,616, A>G. VCF-style: chr5-56856616-A-G. GRCh37 (hg19) VCF-style: chr5-56152443-A-G.
Other names: short protein forms K167E.
Identifiers: ClinVar variation 2913716 (VCV002913716.3), dbSNP rs1179879604, ClinGen allele CA359801990.

ClinVar aggregate classification (germline): Uncertain significance (1 of 4 stars; one submission).

Conditions:
46,XY sex reversal 6. Also called: 46,XY GONADAL DYSGENESIS, PARTIAL OR COMPLETE, MAP3K1-RELATED; 46,XY SEX REVERSAL, PARTIAL OR COMPLETE, MAP3K1-RELATED. Identifiers: MedGen C3151064, MONDO:0013410, OMIM 613762.

Allele frequency attached by ClinVar (database versions not stated): gnomAD exomes below 0.00001.
gnomAD v4.1: 3 of 1,613,720 alleles (0.00019%); highest among the groups gnomAD compares: Non-Finnish European, 0.00025%; no homozygotes.

Submission:

Labcorp Genetics (formerly Invitae), Labcorp
Classification: Uncertain significance for 46,XY sex reversal 6. Last evaluated: 2024-11-05. Review status: criteria provided, single submitter. Criteria: Invitae Variant Classification Sherloc (09022015). Collection method: clinical testing. Allele origin: germline.
Comment: This sequence change replaces lysine, which is basic and polar, with glutamic acid, which is acidic and polar, at codon 167 of the MAP3K1 protein (p.Lys167Glu). This variant is present in population databases (no rsID available, gnomAD 0.0009%). This variant has not been reported in the literature in individuals affected with MAP3K1-related conditions. ClinVar contains an entry for this variant (Variation ID: 2913716). Invitae Evidence Modeling of protein sequence and biophysical properties (such as structural, functional, and spatial information, amino acid conservation, physicochemical variation, residue mobility, and thermodynamic stability) indicates that this missense variant is not expected to disrupt MAP3K1 protein function with a negative predictive value of 80%. In summary, the available evidence is currently insufficient to determine the role of this variant in disease. Therefore, it has been classified as a Variant of Uncertain Significance.